The following is an entry in ClinVar:

NM_001609.4(ACADSB):c.168A>G (p.Thr56=)

Gene: ACADSB (acyl-CoA dehydrogenase short/branched chain; plus strand). Cytogenetic location: 10q26.13.
Variant type: single nucleotide variant.
Coding change: c.168A>G on transcript NM_001609.4 (MANE Select); coding-DNA position 168, A replaced by G.
Protein change: p.Thr56=; no amino-acid change (threonine 56 retained).
Molecular consequence: synonymous variant. On other transcripts: 5 prime UTR variant (1).
Genome position (GRCh38, 1-based): chr10:123,034,481, A>G. VCF-style: chr10-123034481-A-G. GRCh37 (hg19) VCF-style: chr10-124793997-A-G.
Other names: c.-38A>G (NM_001330174.3).
Identifiers: ClinVar variation 299072 (VCV000299072.20), dbSNP rs34221067, ClinGen allele CA5730627.

ClinVar aggregate classification (germline): Benign. Review status: criteria provided, multiple submitters, no conflicts (2 of 4 stars). 5 submissions from 5 submitters: Benign (4). 1 of the submissions does not count toward it. Last evaluated 2026-01-28.

Conditions:
ACADSB-related disorder. Also called: ACADSB-related condition.
Deficiency of 2-methylbutyryl-CoA dehydrogenase (ACADSB). Also called: 2-methylbutyryl-CoA dehydrogenase deficiency; SBCAD deficiency; 2-methylbutyric aciduria; Short branched-chain acyl-CoA dehydrogenase deficiency; 2-methylbutyrylglycinuria. Identifiers: Orphanet 79157, MedGen C1864912, MONDO:0012392, OMIM 610006, HP:0020147.

Allele frequency attached by ClinVar (database versions not stated): gnomAD 0.01583 and 0.01697; 1000 Genomes Project 0.01737; 1000 Genomes Project 30x 0.01827; ESP Exome Variant Server 0.01838; TOPMed 0.01880.
gnomAD v4.1: 5,113 of 1,611,742 alleles (0.32%); highest among the groups gnomAD compares: African/African-American, 5.5%; 117 homozygotes.

Submissions (5):

Labcorp Genetics (formerly Invitae), Labcorp
Classification: Benign for Deficiency of 2-methylbutyryl-CoA dehydrogenase. Last evaluated: 2026-01-28. Review status: criteria provided, single submitter. Criteria: Invitae Variant Classification Sherloc (09022015). Collection method: clinical testing. Allele origin: germline.

Illumina Laboratory Services, Illumina
Classification: Benign for Deficiency of 2-methylbutyryl-CoA dehydrogenase. Last evaluated: 2018-01-12. Review status: criteria provided, single submitter. Criteria: ICSL Variant Classification Criteria 13 December 2019. Collection method: clinical testing. Allele origin: germline.
Comment: This variant was observed in the ICSL laboratory as part of a predisposition screen in an ostensibly healthy population. It had not been previously curated by ICSL or reported in the Human Gene Mutation Database (HGMD: prior to June 1st, 2018), and was therefore a candidate for classification through an automated scoring system. Utilizing variant allele frequency, disease prevalence and penetrance estimates, and inheritance mode, an automated score was calculated to assess if this variant is too frequent to cause the disease. Based on the score and internal cut-off values, a variant classified as benign is not then subjected to further curation. The score for this variant resulted in a classification of benign for this disease.

GeneDx
Classification: Benign. Last evaluated: 2015-03-03. Review status: criteria provided, single submitter. Criteria: GeneDx Variant Classification Process June 2021. Collection method: clinical testing. Allele origin: germline. Affected: yes.

Breakthrough Genomics
Classification: Benign. Review status: criteria provided, single submitter. Criteria: ACMG Guidelines, 2015. Collection method: not provided. Allele origin: germline. Inheritance: Autosomal recessive inheritance. Affected: yes.

PreventionGenetics, part of Exact Sciences
Classification: Benign for ACADSB-related condition. Last evaluated: 2019-09-24. Review status: no assertion criteria provided. Collection method: clinical testing. Allele origin: germline. Not counted in ClinVar's aggregate classification.
Comment: This variant is classified as benign based on ACMG/AMP sequence variant interpretation guidelines (Richards et al. 2015 PMID: 25741868, with internal and published modifications).